The following is an entry in ClinVar:

NM_130839.5(UBE3A):c.56G>C (p.Ser19Thr)

Genes: SNHG14 (small nucleolar RNA host gene 14; plus strand), UBE3A (ubiquitin protein ligase E3A; minus strand). Cytogenetic location: 15q11.2.
Variant type: single nucleotide variant.
Coding change: c.56G>C on transcript NM_130839.5 (MANE Select); coding-DNA position 56, G replaced by C.
Protein change: p.Ser19Thr; replaces serine 19 with threonine.
Molecular consequence: missense variant. On other transcripts: 5 prime UTR variant (21), non-coding transcript variant (1), intron variant (1).
Genome position (GRCh38, 1-based): chr15:25,405,467, C>G on the plus strand (G>C on the coding strand, the complement: UBE3A is on the minus strand). VCF-style: chr15-25405467-C-G. GRCh37 (hg19) VCF-style: chr15-25650614-C-G.
Other names: c.65G>C, p.Ser22Thr (NM_000462.5); c.56G>C, p.Ser19Thr (NM_001354505.1, NM_001354538.2, NM_001354545.2 and 1 more transcripts); c.-5G>C (NM_001354506.2, NM_001354507.2, NM_001354508.2 and 17 more transcripts); c.-118G>C (NM_001354523.2); c.-115-29704G>C (NM_001354546.2); short protein forms S19T, S22T.
Identifiers: ClinVar variation 4537708 (VCV004537708.2).

ClinVar aggregate classification (germline): Uncertain significance. Review status: criteria provided, multiple submitters, no conflicts (2 of 4 stars). 2 submissions from 2 submitters: Uncertain significance (2). Last evaluated 2025-06-13.

Submissions (2):

GeneDx
Classification: Uncertain significance. Last evaluated: 2025-06-13. Review status: criteria provided, single submitter. Criteria: GeneDx Variant Classification Process June 2021. Collection method: clinical testing. Allele origin: germline. Affected: yes.
Comment: Not observed at significant frequency in large population cohorts (gnomAD); In silico analysis suggests that this missense variant does not alter protein structure/function; Has not been previously published as pathogenic or benign to our knowledge; Reported using an alternate transcript of the gene

Greenwood Genetic Center Diagnostic Laboratories, Greenwood Genetic Center
Classification: Uncertain significance. Last evaluated: 2025-02-04. Review status: criteria provided, single submitter. Criteria: ACMG Guidelines, 2015. Collection method: clinical testing. Allele origin: germline.
Comment: PM2, BP4